The following is an entry in ClinVar:

NM_030962.4(SBF2):c.2482A>G (p.Thr828Ala)

Genes: SBF2 (SET binding factor 2; minus strand), LOC101928008 (uncharacterized LOC101928008; plus strand). Cytogenetic location: 11p15.4.
Variant type: single nucleotide variant.
Coding change: c.2482A>G on transcript NM_030962.4 (MANE Select); coding-DNA position 2482, A replaced by G.
Protein change: p.Thr828Ala; replaces threonine 828 with alanine.
Molecular consequence: missense variant.
Genome position (GRCh38, 1-based): chr11:9,853,594, T>C on the plus strand (A>G on the coding strand, the complement: SBF2 is on the minus strand). VCF-style: chr11-9853594-T-C. GRCh37 (hg19) VCF-style: chr11-9875141-T-C.
Other names: c.2482A>G, p.Thr828Ala (NM_001386339.1); c.2353A>G, p.Thr785Ala (NM_001386342.1); short protein forms T828A, T785A.
Identifiers: ClinVar variation 1959856 (VCV001959856.2), dbSNP rs2494869113, ClinGen allele CA379637565.

ClinVar aggregate classification (germline): Uncertain significance (1 of 4 stars; one submission).

Conditions:
Charcot-Marie-Tooth disease type 4. Also called: Charcot-Marie-Tooth disease, type IV; Charcot-Marie-Tooth, Type 4. Identifiers: Orphanet 64749, MedGen C4082197, MONDO:0018995.

Submission:

Labcorp Genetics (formerly Invitae), Labcorp
Classification: Uncertain significance for Charcot-Marie-Tooth disease type 4. Last evaluated: 2022-05-06. Review status: criteria provided, single submitter. Criteria: Invitae Variant Classification Sherloc (09022015). Collection method: clinical testing. Allele origin: germline.
Comment: This sequence change replaces threonine, which is neutral and polar, with alanine, which is neutral and non-polar, at codon 828 of the SBF2 protein (p.Thr828Ala). This variant is not present in population databases (gnomAD no frequency). This variant has not been reported in the literature in individuals affected with SBF2-related conditions. Algorithms developed to predict the effect of missense changes on protein structure and function are either unavailable or do not agree on the potential impact of this missense change (SIFT: "Tolerated"; PolyPhen-2: "Possibly Damaging"; Align-GVGD: "Class C0"). In summary, the available evidence is currently insufficient to determine the role of this variant in disease. Therefore, it has been classified as a Variant of Uncertain Significance.